The following is an entry in ClinVar:

ClinVar aggregate classification (germline): Uncertain significance (1 of 4 stars; one submission).

Conditions:
Asphyxiating thoracic dystrophy 3. Also called: SHORT-RIB THORACIC DYSPLASIA 3 WITH OR WITHOUT POLYDACTYLY; POLYDACTYLY WITH NEONATAL CHONDRODYSTROPHY, TYPE I; Short rib polydactyly syndrome 2B; SHORT-RIB THORACIC DYSPLASIA 3/6 WITH POLYDACTYLY, DIGENIC; Saldino-Noonan Syndrome. Identifiers: Orphanet 474, Orphanet 93269, Orphanet 93270, Orphanet 93271, MedGen C0036069, MONDO:0013127, OMIM 613091.

Submission:

Centre for Mendelian Genomics, University Medical Centre Ljubljana
Classification: Uncertain significance for Asphyxiating thoracic dystrophy 3. Last evaluated: 2019-07-08. Review status: criteria provided, single submitter. Criteria: ACMG Guidelines, 2015. Collection method: clinical testing. Allele origin: unknown. Affected: yes.
Comment: This variant was classified as: Uncertain significance. The available evidence on this variant's pathogenicity is insufficient or conflicting. The following ACMG criteria were applied in classifying this variant: PM2,PP3.

NM_001377.3(DYNC2H1):c.6310C>T (p.Pro2104Ser)

Gene: DYNC2H1 (dynein cytoplasmic 2 heavy chain 1; plus strand). Cytogenetic location: 11q22.3.
Variant type: single nucleotide variant.
Coding change: c.6310C>T on transcript NM_001377.3 (MANE Select); coding-DNA position 6310, C replaced by T.
Protein change: p.Pro2104Ser; replaces proline 2104 with serine.
Molecular consequence: missense variant.
Genome position (GRCh38, 1-based): chr11:103,179,196, C>T. VCF-style: chr11-103179196-C-T. GRCh37 (hg19) VCF-style: chr11-103049925-C-T.
Other names: c.6310C>T, p.Pro2104Ser (NM_001080463.2); short protein forms P2104S.
Identifiers: ClinVar variation 931146 (VCV000931146.3), dbSNP rs1861751321, ClinGen allele CA382247492.